The following is an entry in ClinVar:

NM_001199198.3(TBC1D23):c.1554-4A>G

Gene: TBC1D23 (TBC1 domain family member 23; plus strand). Cytogenetic location: 3q12.2.
Variant type: single nucleotide variant.
Coding change: c.1554-4A>G on transcript NM_001199198.3 (MANE Select); 4 bases into the intron before coding-DNA position 1554, A replaced by G.
Molecular consequence: intron variant.
Genome position (GRCh38, 1-based): chr3:100,311,829, A>G. VCF-style: chr3-100311829-A-G. GRCh37 (hg19) VCF-style: chr3-100030673-A-G.
Other names: c.1553+1287A>G (NM_018309.5).
Identifiers: ClinVar variation 3040079 (VCV003040079.2), dbSNP rs199619948, ClinGen allele CA2514787.
Genomic context (GRCh38, chr3:100,311,829, plus strand): 5'-TTTTAAAGCTGTTGCATTTTTTTTATAATCATTTTGTTCTGTCCTCTGCCTTGATTTGCT[A>G]TAGAATGTCTTTCAATCTTCCTTGGCCAGACAGATCATGTACAGAGCGGTAAGCCAATGA-3'

ClinVar aggregate classification (germline): Likely benign (0 of 4 stars; one submission).

Conditions:
TBC1D23-related disorder. Also called: TBC1D23-related condition.

Allele frequency attached by ClinVar (database versions not stated): gnomAD exomes 0.00031; TOPMed 0.00036; gnomAD 0.00038; ExAC 0.00119.
gnomAD v4.1: 499 of 1,532,290 alleles (0.033%); highest among the groups gnomAD compares: Non-Finnish European, 0.019%; 3 homozygotes.

Submission:

PreventionGenetics, part of Exact Sciences
Classification: Likely benign for TBC1D23-related condition. Last evaluated: 2019-04-02. Review status: no assertion criteria provided. Collection method: clinical testing. Allele origin: germline.
Comment: This variant is classified as likely benign based on ACMG/AMP sequence variant interpretation guidelines (Richards et al. 2015 PMID: 25741868, with internal and published modifications).